The following is an entry in ClinVar:

NM_003846.3(PEX11B):c.187A>T (p.Asn63Tyr)

Gene: PEX11B (peroxisomal biogenesis factor 11 beta; minus strand). Cytogenetic location: 1q21.1.
Variant type: single nucleotide variant.
Coding change: c.187A>T on transcript NM_003846.3 (MANE Select); coding-DNA position 187, A replaced by T.
Protein change: p.Asn63Tyr; replaces asparagine 63 with tyrosine.
Molecular consequence: missense variant. On other transcripts: non-coding transcript variant (3).
Genome position (GRCh38, 1-based): chr1:145,917,004, T>A on the plus strand (A>T on the coding strand, the complement: PEX11B is on the minus strand). VCF-style: chr1-145917004-T-A. GRCh37 (hg19) VCF-style: chr1-145518085-A-T.
Other names: c.145A>T, p.Asn49Tyr (NM_001184795.1); short protein forms N63Y, N49Y.
Identifiers: ClinVar variation 1460806 (VCV001460806.5), dbSNP rs782107631, ClinGen allele CA1055541.

ClinVar aggregate classification (germline): Uncertain significance (1 of 4 stars; one submission).

Submission:

Labcorp Genetics (formerly Invitae), Labcorp
Classification: Uncertain significance. Last evaluated: 2021-09-16. Review status: criteria provided, single submitter. Criteria: Invitae Variant Classification Sherloc (09022015). Collection method: clinical testing. Allele origin: germline.
Comment: In summary, the available evidence is currently insufficient to determine the role of this variant in disease. Therefore, it has been classified as a Variant of Uncertain Significance. Algorithms developed to predict the effect of missense changes on protein structure and function are either unavailable or do not agree on the potential impact of this missense change (SIFT: "Deleterious"; PolyPhen-2: "Probably Damaging"; Align-GVGD: "Class C15"). This variant has not been reported in the literature in individuals affected with PEX11B-related conditions. This variant is present in population databases (rs782107631, ExAC 0.01%). This sequence change replaces asparagine with tyrosine at codon 63 of the PEX11B protein (p.Asn63Tyr). The asparagine residue is highly conserved and there is a large physicochemical difference between asparagine and tyrosine.